The following is an entry in ClinVar:

NM_005045.4(RELN):c.1708C>T (p.His570Tyr)

Gene: RELN (reelin; minus strand). Cytogenetic location: 7q22.1.
Variant type: single nucleotide variant.
Coding change: c.1708C>T on transcript NM_005045.4 (MANE Select); coding-DNA position 1708, C replaced by T.
Protein change: p.His570Tyr; replaces histidine 570 with tyrosine.
Molecular consequence: missense variant.
Genome position (GRCh38, 1-based): chr7:103,652,606, G>A on the plus strand (C>T on the coding strand, the complement: RELN is on the minus strand). VCF-style: chr7-103652606-G-A. GRCh37 (hg19) VCF-style: chr7-103293053-G-A.
Other names: c.1708C>T, p.His570Tyr (NM_173054.3); short protein forms H570Y.
Identifiers: ClinVar variation 4525841 (VCV004525841.1).

ClinVar aggregate classification (germline): Uncertain significance (1 of 4 stars; one submission).

gnomAD v4.1: 3 of 1,612,928 alleles (0.00019%); highest among the groups gnomAD compares: Non-Finnish European, 0.00025%; no homozygotes.

Submission:

Women's Health and Genetics/Laboratory Corporation of America, LabCorp
Classification: Uncertain significance. Last evaluated: 2025-07-16. Review status: criteria provided, single submitter. Criteria: LabCorp Variant Classification Summary - May 2015. Collection method: clinical testing. Allele origin: germline.
Comment: Variant summary: RELN c.1708C>T (p.His570Tyr) results in a conservative amino acid change in the encoded protein sequence. Algorithms developed to predict the effect of missense changes on protein structure and function are either unavailable or do not agree on the potential impact of this missense change. The variant allele was found at a frequency of 4e-06 in 250594 control chromosomes. The available data on variant occurrences in the general population are insufficient to allow any conclusion about variant significance. To our knowledge, no occurrence of c.1708C>T in individuals affected with Epilepsy Familial Temporal Lobe 7 and no experimental evidence demonstrating its impact on protein function have been reported. No submitters have cited clinical-significance assessments for this variant to ClinVar. Based on the evidence outlined above, the variant was classified as uncertain significance.